The following is an entry in ClinVar:

ClinVar aggregate classification (germline): Pathogenic (1 of 4 stars; one submission).

Conditions:
3-methylglutaconic aciduria type 5. Also called: MGA, TYPE V; 3 alpha methylglutaconic aciduria type V; MGA 5; CARDIOMYOPATHY, DILATED, WITH ATAXIA. Identifiers: Orphanet 66634, MedGen C1857776, MONDO:0012435, OMIM 610198.

Submission:

Labcorp Genetics (formerly Invitae), Labcorp
Classification: Pathogenic for 3-methylglutaconic aciduria type 5. Last evaluated: 2024-07-03. Review status: criteria provided, single submitter. Criteria: Invitae Variant Classification Sherloc (09022015). Collection method: clinical testing. Allele origin: germline.
Comment: This sequence change creates a premature translational stop signal (p.Lys57Glnfs*19) in the DNAJC19 gene. It is expected to result in an absent or disrupted protein product. Loss-of-function variants in DNAJC19 are known to be pathogenic (PMID: 16055927, 27928778). This variant is not present in population databases (gnomAD no frequency). This variant has not been reported in the literature in individuals affected with DNAJC19-related conditions. For these reasons, this variant has been classified as Pathogenic.

Literature cited by the submitters: PubMed 16055927; PubMed 27928778.

NM_145261.4(DNAJC19):c.168dup (p.Lys57fs)

Gene: DNAJC19 (DnaJ heat shock protein family (Hsp40) member C19; minus strand). Cytogenetic location: 3q26.33.
Variant type: Duplication.
Coding change: c.168dup on transcript NM_145261.4 (MANE Select); coding-DNA position 168, one base duplicated (C; older notation c.168dupC).
Protein change: p.Lys57fs; shifts the reading frame from lysine 57.
Molecular consequence: frameshift variant. On other transcripts: non-coding transcript variant (1).
Genome position (GRCh38, 1-based): chr3:180,986,984, G duplicated on the plus strand (C on the coding strand, the reverse complement: DNAJC19 is on the minus strand); the first of 3 consecutive G bases (chr3:180,986,984-180,986,986); duplicating any one gives the same sequence. VCF-style (leftmost placement, unchanged base first): chr3-180986983-T-TG. GRCh37 (hg19) VCF-style: chr3-180704771-T-TG.
Other names: c.93dup, p.Lys32fs (NM_001190233.2); short protein forms K57fs, K32fs.
Identifiers: ClinVar variation 3676557 (VCV003676557.2).